The following is an entry in ClinVar:

ClinVar aggregate classification (germline): Likely benign (1 of 4 stars; one submission).

gnomAD v4.1: 94 of 1,554,180 alleles (0.006%); highest among the groups gnomAD compares: South Asian, 0.023%; no homozygotes.

Submission:

CeGaT Center for Human Genetics Tuebingen
Classification: Likely benign. Last evaluated: 2025-11-01. Review status: criteria provided, single submitter. Criteria: CeGaT Center For Human Genetics Tuebingen Variant Classification Criteria Version 2. Collection method: clinical testing. Allele origin: germline. Affected: yes. Observed: 1 variant allele.
Comment: INTS1: BP4, BP7

NM_001080453.3(INTS1):c.4206G>A (p.Thr1402=)

Gene: INTS1 (integrator complex subunit 1; minus strand). Cytogenetic location: 7p22.3.
Variant type: single nucleotide variant.
Coding change: c.4206G>A on transcript NM_001080453.3 (MANE Select); coding-DNA position 4206, G replaced by A.
Protein change: p.Thr1402=; no amino-acid change (threonine 1402 retained).
Molecular consequence: synonymous variant.
Genome position (GRCh38, 1-based): chr7:1,479,553, C>T on the plus strand (G>A on the coding strand, the complement: INTS1 is on the minus strand). VCF-style: chr7-1479553-C-T. GRCh37 (hg19) VCF-style: chr7-1519189-C-T.
Identifiers: ClinVar variation 4533523 (VCV004533523.6).